The following is an entry in ClinVar:

NM_001148.6(ANK2):c.993T>A (p.Asn331Lys)

Gene: ANK2 (ankyrin 2; plus strand). Cytogenetic location: 4q26.
Variant type: single nucleotide variant.
Coding change: c.993T>A on transcript NM_001148.6 (MANE Select); coding-DNA position 993, T replaced by A.
Protein change: p.Asn331Lys; replaces asparagine 331 with lysine.
Molecular consequence: missense variant.
Genome position (GRCh38, 1-based): chr4:113,255,737, T>A. VCF-style: chr4-113255737-T-A. GRCh37 (hg19) VCF-style: chr4-114176893-T-A.
Other names: c.930T>A, p.Asn310Lys (NM_001127493.3, NM_001354239.2, NM_001354243.2 and 14 more transcripts); c.993T>A, p.Asn331Lys (NM_001354225.2, NM_001354228.2, NM_001354232.2 and 9 more transcripts); c.1038T>A, p.Asn346Lys (NM_001354230.2, NM_001354231.2, NM_001354237.2 and 5 more transcripts); c.906T>A, p.Asn302Lys (NM_001354249.2, NM_001354260.2, NM_001354264.2 and 16 more transcripts); c.951T>A, p.Asn317Lys (NM_001354261.2, NM_001386147.1, NM_001386160.1); c.981T>A, p.Asn327Lys (NM_001354269.3, NM_001386148.2, NM_001386186.2); c.1044T>A, p.Asn348Lys (NM_001386174.1); c.1020T>A, p.Asn340Lys (NM_001386175.1); and 1 more; short protein forms N302K, N310K, N317K, N319K, N327K, N331K, N340K, N346K.
Identifiers: ClinVar variation 1014413 (VCV001014413.5), dbSNP rs2048981037, ClinGen allele CA357926182.

ClinVar aggregate classification (germline): Uncertain significance (1 of 4 stars; one submission).

Conditions:
Long QT syndrome (LQTS). Identifiers: MedGen C0023976, MeSH D008133, MONDO:0002442. Disease mechanism: loss of function. Inheritance: Various modes of inheritance.

Submission:

Labcorp Genetics (formerly Invitae), Labcorp
Classification: Uncertain significance for Long QT syndrome. Last evaluated: 2020-09-24. Review status: criteria provided, single submitter. Criteria: Invitae Variant Classification Sherloc (09022015). Collection method: clinical testing. Allele origin: germline.
Comment: In summary, the available evidence is currently insufficient to determine the role of this variant in disease. Therefore, it has been classified as a Variant of Uncertain Significance. Algorithms developed to predict the effect of missense changes on protein structure and function are either unavailable or do not agree on the potential impact of this missense change (SIFT: "Deleterious"; PolyPhen-2: "Possibly Damaging"; Align-GVGD: "Class C0"). This variant has not been reported in the literature in individuals with ANK2-related conditions. This variant is not present in population databases (ExAC no frequency). This sequence change replaces asparagine with lysine at codon 331 of the ANK2 protein (p.Asn331Lys). The asparagine residue is highly conserved and there is a moderate physicochemical difference between asparagine and lysine.